The following is an entry in ClinVar:

NM_080424.4(SP110):c.1469G>A (p.Arg490Gln)

Gene: SP110 (SP110 nuclear body protein; minus strand). Cytogenetic location: 2q37.1.
Variant type: single nucleotide variant.
Coding change: c.1469G>A on transcript NM_080424.4 (MANE Select); coding-DNA position 1469, G replaced by A.
Protein change: p.Arg490Gln; replaces arginine 490 with glutamine.
Molecular consequence: missense variant.
Genome position (GRCh38, 1-based): chr2:230,177,659, C>T on the plus strand (G>A on the coding strand, the complement: SP110 is on the minus strand). VCF-style: chr2-230177659-C-T. GRCh37 (hg19) VCF-style: chr2-231042375-C-T.
Other names: c.1487G>A, p.Arg496Gln (NM_001185015.2, NM_001378442.1, NM_001378444.1 and 2 more transcripts); c.1469G>A, p.Arg490Gln (NM_001378443.1, NM_004509.5, NM_004510.4); c.1319G>A, p.Arg440Gln (NM_001378447.1); short protein forms R496Q, R490Q, R440Q.
Identifiers: ClinVar variation 933843 (VCV000933843.8), dbSNP rs760017935, ClinGen allele CA2154482.
Genomic context (GRCh38, chr2:230,177,659, plus strand): 5'-TTCCTTCCTTTTCCTTCGACTTCAAATTCATTTGGTGTTAACCAAGTTCCATCCTCATTC[C>T]GAATGCACTTCACTGAGGATCCTGTAAGAAAAAGCCCATTCTTGGATCTACCCCCATCCT-3'
Protein context (NP_536349.3, residues 480-500): MKHGSSVKCI[Arg490Gln]NEDGTWLTPN

ClinVar aggregate classification (germline): Conflicting classifications of pathogenicity. Review status: criteria provided, conflicting classifications (1 of 4 stars). 3 submissions from 3 submitters: Uncertain significance (2); Likely benign (1). Last evaluated 2024-01-29.

Conditions:
Inborn genetic diseases. Identifiers: MedGen C0950123, MeSH D030342.
Hepatic veno-occlusive disease-immunodeficiency syndrome. Also called: Hepatic Veno-Occlusive Disease with Immunodeficiency. Identifiers: Orphanet 79124, MedGen C1856128, MONDO:0009338, OMIM 235550. Disease mechanism: loss of function.

Allele frequency attached by ClinVar (database versions not stated): gnomAD 0.00001; gnomAD exomes 0.00001 and 0.00008; TOPMed 0.00001; ExAC 0.00006.
gnomAD v4.1: 20 of 1,614,040 alleles (0.0012%); highest among the groups gnomAD compares: East Asian, 0.029%; no homozygotes.

Submissions (3):

Ambry Genetics
Classification: Likely benign for Inborn genetic diseases. Last evaluated: 2024-01-29. Review status: criteria provided, single submitter. Criteria: Ambry Variant Classification Scheme 2023. Collection method: clinical testing. Allele origin: germline.

Labcorp Genetics (formerly Invitae), Labcorp
Classification: Uncertain significance for Hepatic veno-occlusive disease-immunodeficiency syndrome. Last evaluated: 2021-09-01. Review status: criteria provided, single submitter. Criteria: Invitae Variant Classification Sherloc (09022015). Collection method: clinical testing. Allele origin: germline.
Comment: This sequence change replaces arginine with glutamine at codon 490 of the SP110 protein (p.Arg490Gln). The arginine residue is weakly conserved and there is a small physicochemical difference between arginine and glutamine. This variant is present in population databases (rs760017935, ExAC 0.07%). This variant has not been reported in the literature in individuals affected with SP110-related conditions. Algorithms developed to predict the effect of missense changes on protein structure and function output the following: SIFT: "Tolerated"; PolyPhen-2: "Benign"; Align-GVGD: "Class C0". The glutamine amino acid residue is found in multiple mammalian species, which suggests that this missense change does not adversely affect protein function. In summary, the available evidence is currently insufficient to determine the role of this variant in disease. Therefore, it has been classified as a Variant of Uncertain Significance.

Breakthrough Genomics
Classification: Uncertain significance. Review status: criteria provided, single submitter. Criteria: ACMG Guidelines, 2015. Collection method: not provided. Allele origin: germline. Inheritance: Autosomal recessive inheritance. Affected: yes.